The following is an entry in ClinVar:

ClinVar aggregate classification (germline): Uncertain significance (1 of 4 stars; one submission).

Submission:

Labcorp Genetics (formerly Invitae), Labcorp
Classification: Uncertain significance. Last evaluated: 2023-07-03. Review status: criteria provided, single submitter. Criteria: Invitae Variant Classification Sherloc (09022015). Collection method: clinical testing. Allele origin: unknown.
Comment: In summary, the available evidence is currently insufficient to determine the role of this variant in disease. Therefore, it has been classified as a Variant of Uncertain Significance. Experimental studies and prediction algorithms are not available or were not evaluated, and the functional significance of this variant is currently unknown. This variant has not been reported in the literature in individuals affected with BCAP31-related conditions. This variant results in a copy number gain of the genomic region encompassing exon(s) 4-8 of the BCAP31 gene. This region includes the termination codon of the gene. This copy number gain extends beyond the assayed region for this gene and therefore may encompass additional genes. As the precise location of this event is unknown, it may be in tandem or it may be located elsewhere in the genome.

NC_000023.10:g.(?_152853823)_(152981164_?)dup

Genes: BCAP31 (B cell receptor associated protein 31; minus strand), CCNQ (cyclin Q; minus strand), DUSP9 (dual specificity phosphatase 9; plus strand), PNCK (pregnancy up-regulated nonubiquitous CaM kinase; minus strand), SLC6A8 (solute carrier family 6 member 8; plus strand). Cytogenetic location: Xq28.
Variant type: Duplication.
Identifiers: ClinVar variation 3246429 (VCV003246429.1).